The following is an entry in ClinVar:

NM_181426.2(CCDC39):c.2278A>G (p.Thr760Ala)

Genes: CCDC39 (coiled-coil domain 39 molecular ruler complex subunit; minus strand), TTC14 (tetratricopeptide repeat domain 14; plus strand). Cytogenetic location: 3q26.33.
Variant type: single nucleotide variant.
Coding change: c.2278A>G on transcript NM_181426.2 (MANE Select); coding-DNA position 2278, A replaced by G.
Protein change: p.Thr760Ala; replaces threonine 760 with alanine.
Molecular consequence: missense variant. On other transcripts: intron variant (1).
Genome position (GRCh38, 1-based): chr3:180,616,954, T>C on the plus strand (A>G on the coding strand, the complement: CCDC39 is on the minus strand). VCF-style: chr3-180616954-T-C. GRCh37 (hg19) VCF-style: chr3-180334742-T-C.
Other names: c.1775-426T>C (NM_001288582.2); short protein forms T760A.
Identifiers: ClinVar variation 226484 (VCV000226484.24), dbSNP rs79386936, ClinGen allele CA2715714.

ClinVar aggregate classification (germline): Benign/Likely benign. Review status: criteria provided, multiple submitters, no conflicts (2 of 4 stars). 7 submissions from 7 submitters: Benign (6); Likely benign (1). Last evaluated 2026-01-31.

Conditions:
Primary ciliary dyskinesia. Also called: Ciliary dyskinesia. Identifiers: Orphanet 244, MedGen C0008780, MONDO:0016575, HP:0012265.
Primary ciliary dyskinesia 14. Also called: CILIARY DYSKINESIA, PRIMARY, 14, WITH OR WITHOUT SITUS INVERSUS. Identifiers: Orphanet 244, MedGen C3151136, MONDO:0013434, OMIM 613807.

Allele frequency attached by ClinVar (database versions not stated): gnomAD 0.00954 and 0.01017; 1000 Genomes Project 0.01158; gnomAD exomes 0.00079 and 0.00270; TOPMed 0.01108; ExAC 0.00598; ESP Exome Variant Server 0.01063; 1000 Genomes Project 30x 0.01280.
gnomAD v4.1: 2,491 of 1,412,530 alleles (0.18%); highest among the groups gnomAD compares: African/African-American, 3.3%; 53 homozygotes.

Submissions (7):

Labcorp Genetics (formerly Invitae), Labcorp
Classification: Benign for Primary ciliary dyskinesia. Last evaluated: 2026-01-31. Review status: criteria provided, single submitter. Criteria: Invitae Variant Classification Sherloc (09022015). Collection method: clinical testing. Allele origin: germline.

Blueprint Genetics
Classification: Likely benign. Last evaluated: 2024-11-26. Review status: criteria provided, single submitter. Criteria: ACMG Guidelines, 2015. Collection method: clinical testing. Allele origin: germline.

ARUP Laboratories, Molecular Genetics and Genomics, ARUP Laboratories
Classification: Benign. Last evaluated: 2022-09-13. Review status: criteria provided, single submitter. Criteria: ARUP Molecular Germline Variant Investigation Process 2021. Collection method: clinical testing. Allele origin: germline.

Illumina Laboratory Services, Illumina
Classification: Benign for Primary ciliary dyskinesia 14. Last evaluated: 2018-01-12. Review status: criteria provided, single submitter. Criteria: ICSL Variant Classification Criteria 13 December 2019. Collection method: clinical testing. Allele origin: germline.
Comment: This variant was observed in the ICSL laboratory as part of a predisposition screen in an ostensibly healthy population. It had not been previously curated by ICSL or reported in the Human Gene Mutation Database (HGMD: prior to June 1st, 2018), and was therefore a candidate for classification through an automated scoring system. Utilizing variant allele frequency, disease prevalence and penetrance estimates, and inheritance mode, an automated score was calculated to assess if this variant is too frequent to cause the disease. Based on the score and internal cut-off values, a variant classified as benign is not then subjected to further curation. The score for this variant resulted in a classification of benign for this disease.

Ambry Genetics
Classification: Benign for Primary ciliary dyskinesia. Last evaluated: 2016-07-08. Review status: criteria provided, single submitter. Criteria: Ambry Variant Classification Scheme 2023. Collection method: clinical testing. Allele origin: germline.

Laboratory for Molecular Medicine, Mass General Brigham Personalized Medicine
Classification: Benign. Last evaluated: 2013-02-21. Review status: criteria provided, single submitter. Criteria: LMM Criteria. Collection method: clinical testing. Allele origin: germline. Observed: 1 variant allele.
Comment: Thr760Ala in exon 17 of CCDC39: This variant is not expected to have clinical si gnificance because it has been identified in 3.4% (123/3574) of African American chromosomes from a broad population by the NHLBI Exome Sequencing Project (dbSNP rs79386936).

PreventionGenetics, part of Exact Sciences
Classification: Benign. Review status: criteria provided, single submitter. Criteria: ACMG Guidelines, 2015. Collection method: clinical testing. Allele origin: germline.